The following is an entry in ClinVar:

ClinVar aggregate classification (germline): Uncertain significance (1 of 4 stars; one submission).

Allele frequency attached by ClinVar (database versions not stated): ExAC 0.00002; TOPMed 0.00002; ESP Exome Variant Server 0.00008.
gnomAD v4.1: 6 of 1,614,142 alleles (0.00037%); highest among the groups gnomAD compares: African/African-American, 0.0013%; no homozygotes.

Submission:

Labcorp Genetics (formerly Invitae), Labcorp
Classification: Uncertain significance. Last evaluated: 2023-06-28. Review status: criteria provided, single submitter. Criteria: Invitae Variant Classification Sherloc (09022015). Collection method: clinical testing. Allele origin: germline.
Comment: In summary, the available evidence is currently insufficient to determine the role of this variant in disease. Therefore, it has been classified as a Variant of Uncertain Significance. An algorithm developed to predict the effect of missense changes on protein structure and function (PolyPhen-2) suggests that this variant is likely to be disruptive. This variant has not been reported in the literature in individuals affected with ASXL1-related conditions. This variant is present in population databases (rs143719307, gnomAD 0.0009%). This sequence change replaces arginine, which is basic and polar, with histidine, which is basic and polar, at codon 411 of the ASXL1 protein (p.Arg411His).

NM_015338.6(ASXL1):c.1232G>A (p.Arg411His)

Gene: ASXL1 (ASXL transcriptional regulator 1; plus strand). Cytogenetic location: 20q11.21.
Variant type: single nucleotide variant.
Coding change: c.1232G>A on transcript NM_015338.6 (MANE Select); coding-DNA position 1232, G replaced by A.
Protein change: p.Arg411His; replaces arginine 411 with histidine.
Molecular consequence: missense variant.
Genome position (GRCh38, 1-based): chr20:32,433,430, G>A. VCF-style: chr20-32433430-G-A. GRCh37 (hg19) VCF-style: chr20-31021233-G-A.
Other names: c.1049G>A, p.Arg350His (NM_001363734.1); short protein forms R350H, R411H.
Identifiers: ClinVar variation 2896687 (VCV002896687.3), dbSNP rs143719307, ClinGen allele CA9808323.